The following is an entry in ClinVar:

ClinVar aggregate classification (germline): Likely benign (1 of 4 stars; one submission).

Conditions:
SEMA3G-related disorder. Also called: SEMA3G-related condition.

Submission:

PreventionGenetics, part of Exact Sciences
Classification: Likely benign for SEMA3G-related condition. Last evaluated: 2026-08-19. Review status: criteria provided, single submitter. Criteria: ACMG Guidelines, 2015. Collection method: clinical testing. Allele origin: germline.
Comment: This variant is classified as likely benign based on ACMG/AMP sequence variant interpretation guidelines (Richards et al. 2015 PMID: 25741868, with internal and published modifications).

NM_020163.3(SEMA3G):c.2187G>A (p.Val729=)

Gene: SEMA3G (semaphorin 3G; minus strand). Cytogenetic location: 3p21.1.
Variant type: single nucleotide variant.
Coding change: c.2187G>A on transcript NM_020163.3 (MANE Select); coding-DNA position 2187, G replaced by A.
Protein change: p.Val729=; no amino-acid change (valine 729 retained).
Molecular consequence: synonymous variant.
Genome position (GRCh38, 1-based): chr3:52,435,765, C>T on the plus strand (G>A on the coding strand, the complement: SEMA3G is on the minus strand). VCF-style: chr3-52435765-C-T. GRCh37 (hg19) VCF-style: chr3-52469781-C-T.
Identifiers: ClinVar variation 4978473 (VCV004978473.1).
Genomic context (GRCh38, chr3:52,435,765, plus strand): 5'-CTGCTTGCCCCGGCTCCGGCTCCGGAAGCAGCCTGAGCATTCCGTGGTGCCCCTGCACCA[C>T]ACGCGCTCACAGTACTCATCCACCCGGGGCAGGTTGGCGAAGCCAATGAGCTGCAGGATG-3'
Protein context (NP_064548.1, residues 719-739): LPRVDEYCER[Val729=]WCRGTTECSG